The following is an entry in ClinVar:

ClinVar aggregate classification (germline): Uncertain significance (1 of 4 stars; one submission).

Conditions:
CLDN1-related disorder. Also called: CLDN1-related condition.

gnomAD v4.1: 5 of 1,613,858 alleles (0.00031%); highest among the groups gnomAD compares: South Asian, 0.0033%; no homozygotes.

Submission:

PreventionGenetics, part of Exact Sciences
Classification: Uncertain significance for CLDN1-related condition. Last evaluated: 2026-02-26. Review status: criteria provided, single submitter. Criteria: ACMG Guidelines, 2015. Collection method: clinical testing. Allele origin: germline.
Comment: The CLDN1 c.530T>C variant is predicted to result in the amino acid substitution p.Leu177Pro. To our knowledge, this variant has not been reported in the literature. This variant is reported in 0.0098% of alleles in individuals of South Asian descent in gnomAD. At this time, the clinical significance of this variant is uncertain due to the absence of conclusive functional and genetic evidence.

NM_021101.5(CLDN1):c.530T>C (p.Leu177Pro)

Genes: CLDN1 (claudin 1; minus strand), CLDN16 (claudin 16; plus strand). Cytogenetic location: 3q28.
Variant type: single nucleotide variant.
Coding change: c.530T>C on transcript NM_021101.5 (MANE Select); coding-DNA position 530, T replaced by C.
Protein change: p.Leu177Pro; replaces leucine 177 with proline.
Molecular consequence: missense variant. On other transcripts: intron variant (2).
Genome position (GRCh38, 1-based): chr3:190,308,383, A>G on the plus strand (T>C on the coding strand, the complement: CLDN1 is on the minus strand). VCF-style: chr3-190308383-A-G. GRCh37 (hg19) VCF-style: chr3-190026172-A-G.
Other names: c.-445-6510A>G (NM_001378492.1); c.-279+17792A>G (NM_001378493.1); short protein forms L177P.
Identifiers: ClinVar variation 4991659 (VCV004991659.1).